The following is an entry in ClinVar:

ClinVar aggregate classification (germline): Uncertain significance (1 of 4 stars; one submission).

Conditions:
Neuropathy, hereditary sensory and autonomic, type 2A (HSAN2A). Also called: WNK1-Related HSAN2 (HSAN2A); ACROOSTEOLYSIS, GIACCAI TYPE; ACROOSTEOLYSIS, NEUROGENIC; MORVAN DISEASE; NEUROPATHY, CONGENITAL SENSORY; NEUROPATHY, HEREDITARY SENSORY RADICULAR, AUTOSOMAL RECESSIVE. Identifiers: Orphanet 970, MedGen C2752089, MONDO:0024309, OMIM 201300.
Pseudohypoaldosteronism type 2C (PHA2C). Also called: Pseudohypoaldosteronism Type IIC. Identifiers: Orphanet 757, Orphanet 88940, MedGen C1840391, MONDO:0013778, OMIM 614492.

gnomAD v4.1: 9 of 1,599,954 alleles (0.00056%); highest among the groups gnomAD compares: Non-Finnish European, 0.00077%; no homozygotes.

Submission:

Labcorp Genetics (formerly Invitae), Labcorp
Classification: Uncertain significance for Neuropathy, hereditary sensory and autonomic, type 2A; Pseudohypoaldosteronism type 2C. Last evaluated: 2025-12-15. Review status: criteria provided, single submitter. Criteria: Invitae Variant Classification Sherloc (09022015). Collection method: clinical testing. Allele origin: germline.
Comment: This sequence change replaces isoleucine, which is neutral and non-polar, with serine, which is neutral and polar, at codon 2339 of the WNK1 protein (p.Ile2339Ser). This variant is not present in population databases (gnomAD no frequency). This variant has not been reported in the literature in individuals affected with WNK1-related conditions. Invitae Evidence Modeling of protein sequence and biophysical properties (such as structural, functional, and spatial information, amino acid conservation, physicochemical variation, residue mobility, and thermodynamic stability) indicates that this missense variant is not expected to disrupt WNK1 protein function with a negative predictive value of 95%. In summary, the available evidence is currently insufficient to determine the role of this variant in disease. Therefore, it has been classified as a Variant of Uncertain Significance.

NM_018979.4(WNK1):c.6260T>G (p.Ile2087Ser)

Gene: WNK1 (WNK lysine deficient protein kinase 1; plus strand). Cytogenetic location: 12p13.33.
Variant type: single nucleotide variant.
Coding change: c.6260T>G on transcript NM_018979.4 (MANE Select); coding-DNA position 6260, T replaced by G.
Protein change: p.Ile2087Ser; replaces isoleucine 2087 with serine.
Molecular consequence: missense variant.
Genome position (GRCh38, 1-based): chr12:897,493, T>G. VCF-style: chr12-897493-T-G. GRCh37 (hg19) VCF-style: chr12-1006659-T-G.
Other names: c.7040T>G, p.Ile2347Ser (NM_001184985.2); c.5516T>G, p.Ile1839Ser (NM_014823.3); c.7016T>G, p.Ile2339Ser (NM_213655.5); short protein forms I1839S, I2087S, I2339S, I2347S.
Identifiers: ClinVar variation 4782843 (VCV004782843.1).
Genomic context (GRCh38, chr12:897,493, plus strand): 5'-GAAGAGGATTATGGTATTTTGAATTATGTTTGGTTATCTTTCACAGACATCTCAAAGAGA[T>G]TCAGGACCTGCAGAGTCGCCAGAAGCATGAAATTGAATCTTTGTATACCAAACTGGGCAA-3'
Protein context (NP_061852.3, residues 2077-2097): RRLRDKHLKE[Ile2087Ser]QDLQSRQKHE